The following is an entry in ClinVar:

ClinVar aggregate classification (germline): Conflicting classifications of pathogenicity. Review status: criteria provided, conflicting classifications (1 of 4 stars). 3 submissions from 3 submitters: Uncertain significance (1); Benign (1). 1 of the submissions does not count toward it. Last evaluated 2024-05-17.

Conditions:
RPS6KA3-related disorder. Also called: RPS6KA3-related condition.
Coffin-Lowry syndrome (CLS). Also called: COFFIN-LOWRY SYNDROME, MILD; Mental retardation with osteocartilaginous abnormalities. Identifiers: Orphanet 192, MedGen C0265252, MONDO:0010561, OMIM 303600.
Intellectual developmental disorder, X-linked 19. Also called: Intellectual disability, X-linked 19. Identifiers: Orphanet 777, MedGen C0796225, MONDO:0010447, OMIM 300844.

Allele frequency attached by ClinVar (database versions not stated): TOPMed below 0.00001.
gnomAD v4.1: 6 of 1,178,682 alleles (0.00051%); highest among the groups gnomAD compares: Middle Eastern, 0.023%; no homozygotes.

Submissions (3):

Labcorp Genetics (formerly Invitae), Labcorp
Classification: Benign for Coffin-Lowry syndrome; Intellectual developmental disorder, X-linked 19. Last evaluated: 2024-05-17. Review status: criteria provided, single submitter. Criteria: Invitae Variant Classification Sherloc (09022015). Collection method: clinical testing. Allele origin: germline.

Genomic Medicine Center of Excellence, King Faisal Specialist Hospital and Research Centre
Classification: Uncertain significance for Coffin-Lowry syndrome. Last evaluated: 2024-03-25. Review status: criteria provided, single submitter. Criteria: ACMG Guidelines, 2015. Collection method: clinical testing. Allele origin: germline.

PreventionGenetics, part of Exact Sciences
Classification: Likely benign for RPS6KA3-related condition. Last evaluated: 2022-09-20. Review status: no assertion criteria provided. Collection method: clinical testing. Allele origin: germline. Not counted in ClinVar's aggregate classification.
Comment: This variant is classified as likely benign based on ACMG/AMP sequence variant interpretation guidelines (Richards et al. 2015 PMID: 25741868, with internal and published modifications).

NM_004586.3(RPS6KA3):c.1483C>A (p.Leu495Ile)

Gene: RPS6KA3 (ribosomal protein S6 kinase A3; minus strand). Cytogenetic location: Xp22.12.
Variant type: single nucleotide variant.
Coding change: c.1483C>A on transcript NM_004586.3 (MANE Select); coding-DNA position 1483, C replaced by A.
Protein change: p.Leu495Ile; replaces leucine 495 with isoleucine.
Molecular consequence: missense variant.
Genome position (GRCh38, 1-based): chrX:20,167,708, G>T on the plus strand (C>A on the coding strand, the complement: RPS6KA3 is on the minus strand). VCF-style: chrX-20167708-G-T. GRCh37 (hg19) VCF-style: chrX-20185826-G-T.
Other names: c.1483C>A (NM_004586.2); short protein forms L495I.
Identifiers: ClinVar variation 2930383 (VCV002930383.5), dbSNP rs937495958, ClinGen allele CA327474370.